The following is an entry in ClinVar:

NM_001098.3(ACO2):c.1851_1859del (p.Leu618_Gly620del)

Genes: ACO2 (aconitase 2; plus strand), POLR3H (RNA polymerase III subunit H; minus strand). Cytogenetic location: 22q13.2.
Variant type: Deletion.
Coding change: c.1851_1859del on transcript NM_001098.3 (MANE Select); coding-DNA positions 1851 to 1859, 9 bases deleted (GCTCATTGG; older notation c.1851_1859delGCTCATTGG).
Protein change: p.Leu618_Gly620del.
Molecular consequence: inframe deletion. On other transcripts: 3 prime UTR variant (5).
Genome position (GRCh38, 1-based): chr22:41,526,351-41,526,359, GCTCATTGG deleted. VCF-style (leftmost placement, unchanged base first): chr22-41526350-TGCTCATTGG-T. GRCh37 (hg19) VCF-style: chr22-41922354-TGCTCATTGG-T.
Other names: c.*2924_*2932del (NM_001018050.4, NM_001018052.4, NM_001282884.2 and 2 more transcripts).
Identifiers: ClinVar variation 2003864 (VCV002003864.4), dbSNP rs2518236341, ClinGen allele CA2580099868.
Genomic context (GRCh38, chr22:41,526,350, plus strand): 5'-TCTCAGCTGCTGGCCCCTGGCTCAAGTTCCGTGGGCACTTGGATAACATCTCCAACAACC[TGCTCATTGG>T]TGCCATCAACATTGAAAACGGCAAGGCCAACTCCGTGCGCAATGCCGTCACTCAGGAGTT-3'

ClinVar aggregate classification (germline): Uncertain significance (1 of 4 stars; one submission).

Submission:

Labcorp Genetics (formerly Invitae), Labcorp
Classification: Uncertain significance. Last evaluated: 2022-07-05. Review status: criteria provided, single submitter. Criteria: Invitae Variant Classification Sherloc (09022015). Collection method: clinical testing. Allele origin: germline.
Comment: This variant is not present in population databases (gnomAD no frequency). This variant, c.1851_1859del, results in the deletion of 3 amino acid(s) of the ACO2 protein (p.Leu618_Gly620del), but otherwise preserves the integrity of the reading frame. This variant has not been reported in the literature in individuals affected with ACO2-related conditions. Experimental studies and prediction algorithms are not available or were not evaluated, and the functional significance of this variant is currently unknown. In summary, the available evidence is currently insufficient to determine the role of this variant in disease. Therefore, it has been classified as a Variant of Uncertain Significance.